The following is an entry in ClinVar:

ClinVar aggregate classification (germline): Uncertain significance (1 of 4 stars; one submission).

Allele frequency attached by ClinVar (database versions not stated): TOPMed below 0.00001; gnomAD exomes 0.00003.
gnomAD v4.1: 38 of 1,614,186 alleles (0.0024%); highest among the groups gnomAD compares: Non-Finnish European, 0.0031%; no homozygotes.

Submission:

Labcorp Genetics (formerly Invitae), Labcorp
Classification: Uncertain significance. Last evaluated: 2021-12-27. Review status: criteria provided, single submitter. Criteria: Invitae Variant Classification Sherloc (09022015). Collection method: clinical testing. Allele origin: germline.
Comment: This sequence change replaces isoleucine, which is neutral and non-polar, with threonine, which is neutral and polar, at codon 3697 of the FAT4 protein (p.Ile3697Thr). This variant is not present in population databases (gnomAD no frequency). This variant has not been reported in the literature in individuals affected with FAT4-related conditions. Advanced modeling of protein sequence and biophysical properties (such as structural, functional, and spatial information, amino acid conservation, physicochemical variation, residue mobility, and thermodynamic stability) performed at Invitae indicates that this missense variant is not expected to disrupt FAT4 protein function. In summary, the available evidence is currently insufficient to determine the role of this variant in disease. Therefore, it has been classified as a Variant of Uncertain Significance.

NM_001291303.3(FAT4):c.11096T>C (p.Ile3699Thr)

Gene: FAT4 (FAT atypical cadherin 4; plus strand). Cytogenetic location: 4q28.1.
Variant type: single nucleotide variant.
Coding change: c.11096T>C on transcript NM_001291303.3 (MANE Select); coding-DNA position 11096, T replaced by C.
Protein change: p.Ile3699Thr; replaces isoleucine 3699 with threonine.
Molecular consequence: missense variant.
Genome position (GRCh38, 1-based): chr4:125,452,106, T>C. VCF-style: chr4-125452106-T-C. GRCh37 (hg19) VCF-style: chr4-126373261-T-C.
Other names: c.11096T>C, p.Ile3699Thr (NM_001291285.3); c.11090T>C, p.Ile3697Thr (NM_024582.6); short protein forms I3697T, I3699T.
Identifiers: ClinVar variation 1984147 (VCV001984147.1), dbSNP rs989898798, ClinGen allele CA104882923.